The following is an entry in ClinVar:

ClinVar aggregate classification (germline): Uncertain significance. Review status: criteria provided, multiple submitters, no conflicts (2 of 4 stars). 2 submissions from 2 submitters: Uncertain significance (2). Last evaluated 2025-12-24.

Conditions:
Cardiovascular phenotype. Identifiers: MedGen CN230736.
Brugada syndrome 8 (BRGDA8). Identifiers: Orphanet 130, MedGen C2751083, MONDO:0013148, OMIM 613123.

Allele frequency attached by ClinVar (database versions not stated): TOPMed 0.00004; gnomAD exomes 0.00003; gnomAD 0.00001; ExAC 0.00003; ESP Exome Variant Server 0.00008; 1000 Genomes Project 30x 0.00016; 1000 Genomes Project 0.00020.
gnomAD v4.1: 47 of 1,614,116 alleles (0.0029%); highest among the groups gnomAD compares: East Asian, 0.0067%; no homozygotes.

Submissions (2):

Labcorp Genetics (formerly Invitae), Labcorp
Classification: Uncertain significance for Brugada syndrome 8. Last evaluated: 2025-12-24. Review status: criteria provided, single submitter. Criteria: Invitae Variant Classification Sherloc (09022015). Collection method: clinical testing. Allele origin: germline.
Comment: This sequence change replaces proline, which is neutral and non-polar, with leucine, which is neutral and non-polar, at codon 330 of the HCN4 protein (p.Pro330Leu). This variant is present in population databases (rs370442588, gnomAD 0.006%). This missense change has been observed in individual(s) with generalized epilepsy (PMID: 30986657). ClinVar contains an entry for this variant (Variation ID: 660833). Invitae Evidence Modeling of protein sequence and biophysical properties (such as structural, functional, and spatial information, amino acid conservation, physicochemical variation, residue mobility, and thermodynamic stability) has been performed for this missense variant. However, the output from this modeling did not meet the statistical confidence thresholds required to predict the impact of this variant on HCN4 protein function. In summary, the available evidence is currently insufficient to determine the role of this variant in disease. Therefore, it has been classified as a Variant of Uncertain Significance.

Ambry Genetics
Classification: Uncertain significance for Cardiovascular phenotype. Last evaluated: 2022-02-02. Review status: criteria provided, single submitter. Criteria: Ambry Variant Classification Scheme 2023. Collection method: clinical testing. Allele origin: germline.
Comment: The p.P330L variant (also known as c.989C>T), located in coding exon 2 of the HCN4 gene, results from a C to T substitution at nucleotide position 989. The proline at codon 330 is replaced by leucine, an amino acid with similar properties. This alteration was reported in an individual with generalized epilepsy; however, it was also identified in two unaffected children (DiFrancesco JC et al. Epilepsy Res, 2019 07;153:49-58). This amino acid position is highly conserved in available vertebrate species. In addition, this alteration is predicted to be deleterious by in silico analysis. Since supporting evidence is limited at this time, the clinical significance of this alteration remains unclear.

Literature cited by the submitters: PubMed 30986657 (cited by Labcorp Genetics (formerly Invitae), Labcorp and Ambry Genetics).

NM_005477.3(HCN4):c.989C>T (p.Pro330Leu)

Genes: HCN4 (hyperpolarization activated cyclic nucleotide gated potassium channel 4; minus strand), LOC105370890 (uncharacterized LOC105370890; plus strand), LOC126862173 (CDK7 strongly-dependent group 2 enhancer GRCh37_chr15:73635762-73636961; plus strand). Cytogenetic location: 15q24.1.
Variant type: single nucleotide variant.
Coding change: c.989C>T on transcript NM_005477.3 (MANE Select); coding-DNA position 989, C replaced by T.
Protein change: p.Pro330Leu; replaces proline 330 with leucine.
Molecular consequence: missense variant.
Genome position (GRCh38, 1-based): chr15:73,343,605, G>A on the plus strand (C>T on the coding strand, the complement: HCN4 is on the minus strand). VCF-style: chr15-73343605-G-A. GRCh37 (hg19) VCF-style: chr15-73635946-G-A.
Other names: short protein forms P330L.
Identifiers: ClinVar variation 660833 (VCV000660833.10), dbSNP rs370442588, ClinGen allele CA7649389.